The following is an entry in ClinVar:

ClinVar aggregate classification (germline): Uncertain significance (1 of 4 stars; one submission).

Allele frequency attached by ClinVar (database versions not stated): gnomAD exomes below 0.00001.

Submission:

Labcorp Genetics (formerly Invitae), Labcorp
Classification: Uncertain significance. Last evaluated: 2023-11-13. Review status: criteria provided, single submitter. Criteria: Invitae Variant Classification Sherloc (09022015). Collection method: clinical testing. Allele origin: germline.
Comment: This sequence change replaces lysine, which is basic and polar, with arginine, which is basic and polar, at codon 39 of the MRPS14 protein (p.Lys39Arg). This variant is not present in population databases (gnomAD no frequency). This variant has not been reported in the literature in individuals affected with MRPS14-related conditions. An algorithm developed to predict the effect of missense changes on protein structure and function (PolyPhen-2) suggests that this variant is likely to be disruptive. In summary, the available evidence is currently insufficient to determine the role of this variant in disease. Therefore, it has been classified as a Variant of Uncertain Significance.

NM_022100.3(MRPS14):c.116A>G (p.Lys39Arg)

Gene: MRPS14 (mitochondrial ribosomal protein S14; minus strand). Cytogenetic location: 1q25.1.
Variant type: single nucleotide variant.
Coding change: c.116A>G on transcript NM_022100.3 (MANE Select); coding-DNA position 116, A replaced by G.
Protein change: p.Lys39Arg; replaces lysine 39 with arginine.
Molecular consequence: missense variant. On other transcripts: non-coding transcript variant (1).
Genome position (GRCh38, 1-based): chr1:175,018,506, T>C on the plus strand (A>G on the coding strand, the complement: MRPS14 is on the minus strand). VCF-style: chr1-175018506-T-C. GRCh37 (hg19) VCF-style: chr1-174987642-T-C.
Other names: short protein forms K39R.
Identifiers: ClinVar variation 2872248 (VCV002872248.3), dbSNP rs1672922511, ClinGen allele CA343780235.